The following is an entry in ClinVar:

NM_015559.3(SETBP1):c.540+7467A>G

Gene: SETBP1 (SET binding protein 1; plus strand). Cytogenetic location: 18q12.3.
Variant type: single nucleotide variant.
Coding change: c.540+7467A>G on transcript NM_015559.3 (MANE Select); 7467 bases into the intron after coding-DNA position 540, A replaced by G.
Molecular consequence: intron variant. On other transcripts: synonymous variant (1).
Genome position (GRCh38, 1-based): chr18:44,876,750, A>G. VCF-style: chr18-44876750-A-G. GRCh37 (hg19) VCF-style: chr18-42456715-A-G.
Other names: c.726A>G, p.Val242= (NM_001130110.2); c.540+7467A>G (NM_001379141.1, NM_001410862.1, NM_001379142.1).
Identifiers: ClinVar variation 2648689 (VCV002648689.24), dbSNP rs2511269965, ClinGen allele CA2641586190.

ClinVar aggregate classification (germline): Likely benign (1 of 4 stars; one submission).

Submission:

CeGaT Center for Human Genetics Tuebingen
Classification: Likely benign. Last evaluated: 2023-01-01. Review status: criteria provided, single submitter. Criteria: CeGaT Center For Human Genetics Tuebingen Variant Classification Criteria Version 2. Collection method: clinical testing. Allele origin: germline. Affected: yes. Observed: 1 variant allele.
Comment: SETBP1: PM2:Supporting, BP4, BP7